The following is an entry in ClinVar:

NM_016729.3(FOLR1):c.421C>T (p.Gln141Ter)

Genes: FOLR1-AS1 (FOLR1 antisense RNA 1; minus strand), FOLR1 (folate receptor alpha; plus strand). Cytogenetic location: 11q13.4.
Variant type: single nucleotide variant.
Coding change: c.421C>T on transcript NM_016729.3 (MANE Select); coding-DNA position 421, C replaced by T.
Protein change: p.Gln141Ter; replaces glutamine 141 with a stop codon.
Molecular consequence: nonsense.
Genome position (GRCh38, 1-based): chr11:72,195,675, C>T. VCF-style: chr11-72195675-C-T. GRCh37 (hg19) VCF-style: chr11-71906719-C-T.
Other names: c.421C>T, p.Gln141Ter (NM_000802.3, NM_016724.3, NM_016725.3); short protein forms Q141*.
Identifiers: ClinVar variation 4724036 (VCV004724036.1).

ClinVar aggregate classification (germline): Pathogenic (1 of 4 stars; one submission).

Conditions:
Cerebral folate transport deficiency. Also called: Neurodegenerative syndrome due to cerebral folate transport deficiency; FOLATE RECEPTOR DEFICIENCY; FOLR1-Related Cerebral Folate Transport Deficiency; Cerebral folate deficiency syndrome; NEURODEGENERATION DUE TO CEREBRAL FOLATE TRANSPORT DEFICIENCY. Identifiers: Orphanet 217382, MedGen C2751584, MONDO:0013110, OMIM 613068. Disease mechanism: loss of function.

Submission:

Labcorp Genetics (formerly Invitae), Labcorp
Classification: Pathogenic for Cerebral folate transport deficiency. Last evaluated: 2025-07-27. Review status: criteria provided, single submitter. Criteria: Invitae Variant Classification Sherloc (09022015). Collection method: clinical testing. Allele origin: germline.
Comment: This sequence change creates a premature translational stop signal (p.Gln141*) in the FOLR1 gene. It is expected to result in an absent or disrupted protein product. Loss-of-function variants in FOLR1 are known to be pathogenic (PMID: 19732866, 22586289). This variant is not present in population databases (gnomAD no frequency). This variant has not been reported in the literature in individuals affected with FOLR1-related conditions. For these reasons, this variant has been classified as Pathogenic.

Literature cited by the submitters: PubMed 19732866; PubMed 22586289.